The following is an entry in ClinVar:

NM_194454.3(KRIT1):c.1048_1049del (p.Leu350fs)

Gene: KRIT1 (KRIT1 ankyrin repeat containing; minus strand). Cytogenetic location: 7q21.2.
Variant type: Deletion.
Coding change: c.1048_1049del on transcript NM_194454.3 (MANE Select); coding-DNA positions 1048 to 1049, 2 bases deleted (CT; older notation c.1048_1049delCT).
Protein change: p.Leu350fs; shifts the reading frame from leucine 350.
Molecular consequence: frameshift variant.
Genome position (GRCh38, 1-based): chr7:92,226,623-92,226,624, AG deleted on the plus strand (CT on the coding strand, the reverse complement: KRIT1 is on the minus strand). VCF-style (leftmost placement, unchanged base first): chr7-92226622-AAG-A. GRCh37 (hg19) VCF-style: chr7-91855936-AAG-A.
Other names: c.1048_1049del, p.Leu350fs (NM_001350686.1, NM_001350687.1, NM_001350688.1 and 26 more transcripts); c.904_905del, p.Leu302fs (NM_001013406.2, NM_001350669.1, NM_001350670.1); c.334_335del, p.Leu112fs (NM_001350671.1); c.1048_1049delCT (NM_194456.1); short protein forms L302fs, L112fs, L350fs.
Identifiers: ClinVar variation 4094661 (VCV004094661.1).

ClinVar aggregate classification (germline): Pathogenic (1 of 4 stars; one submission).

Conditions:
Inborn genetic diseases. Identifiers: MedGen C0950123, MeSH D030342.

Submission:

Ambry Genetics
Classification: Pathogenic for Inborn genetic diseases. Last evaluated: 2025-06-17. Review status: criteria provided, single submitter. Criteria: Ambry Variant Classification Scheme 2023. Collection method: clinical testing. Allele origin: germline.
Comment: The c.1048_1049delCT (p.L350Ffs*6) alteration, located in exon 12 (coding exon 8) of the KRIT1 gene, consists of a deletion of 2 nucleotides from position 1048 to 1049, causing a translational frameshift with a predicted alternate stop codon after 6 amino acids. This alteration is expected to result in loss of function by premature protein truncation or nonsense-mediated mRNA decay. This variant was not reported in population-based cohorts in the Genome Aggregation Database (gnomAD). Based on the available evidence, this alteration is classified as pathogenic.